The following is an entry in ClinVar:

NM_002858.4(ABCD3):c.329T>G (p.Ile110Ser)

Gene: ABCD3 (ATP binding cassette subfamily D member 3; plus strand). Cytogenetic location: 1p21.3.
Variant type: single nucleotide variant.
Coding change: c.329T>G on transcript NM_002858.4 (MANE Select); coding-DNA position 329, T replaced by G.
Protein change: p.Ile110Ser; replaces isoleucine 110 with serine.
Molecular consequence: missense variant.
Genome position (GRCh38, 1-based): chr1:94,468,001, T>G. VCF-style: chr1-94468001-T-G. GRCh37 (hg19) VCF-style: chr1-94933557-T-G.
Other names: c.329T>G, p.Ile110Ser (NM_001122674.2); short protein forms I110S.
Identifiers: ClinVar variation 2764412 (VCV002764412.3), dbSNP rs2525219561, ClinGen allele CA341295305.

ClinVar aggregate classification (germline): Uncertain significance (1 of 4 stars; one submission).

Submission:

Labcorp Genetics (formerly Invitae), Labcorp
Classification: Uncertain significance. Last evaluated: 2023-10-10. Review status: criteria provided, single submitter. Criteria: Invitae Variant Classification Sherloc (09022015). Collection method: clinical testing. Allele origin: germline.
Comment: This sequence change replaces isoleucine, which is neutral and non-polar, with serine, which is neutral and polar, at codon 110 of the ABCD3 protein (p.Ile110Ser). This variant is not present in population databases (gnomAD no frequency). This variant has not been reported in the literature in individuals affected with ABCD3-related conditions. An algorithm developed to predict the effect of missense changes on protein structure and function (PolyPhen-2) suggests that this variant is likely to be disruptive. In summary, the available evidence is currently insufficient to determine the role of this variant in disease. Therefore, it has been classified as a Variant of Uncertain Significance.